The following is an entry in ClinVar:

NM_005506.4(SCARB2):c.424-210A>G

Gene: SCARB2 (scavenger receptor class B member 2; minus strand). Cytogenetic location: 4q21.1.
Variant type: single nucleotide variant.
Coding change: c.424-210A>G on transcript NM_005506.4 (MANE Select); 210 bases into the intron before coding-DNA position 424, A replaced by G.
Molecular consequence: intron variant.
Genome position (GRCh38, 1-based): chr4:76,179,915, T>C on the plus strand (A>G on the coding strand, the complement: SCARB2 is on the minus strand). VCF-style: chr4-76179915-T-C. GRCh37 (hg19) VCF-style: chr4-77101068-T-C.
Other names: c.276-4005A>G (NM_001204255.2).
Identifiers: ClinVar variation 669321 (VCV000669321.1), dbSNP rs3816248, ClinGen allele CA15298759.

ClinVar aggregate classification (germline): Benign (1 of 4 stars; one submission).

Allele frequency attached by ClinVar (database versions not stated): gnomAD 0.12932 and 0.13296; TOPMed 0.13954; 1000 Genomes Project 30x 0.16084; 1000 Genomes Project 0.16254; gnomAD exomes 0.16752.
gnomAD v4.1: 96,438 of 608,336 alleles (16%); highest among the groups gnomAD compares: East Asian, 34%; 9,175 homozygotes.

Submission:

GeneDx
Classification: Benign. Last evaluated: 2018-06-19. Review status: criteria provided, single submitter. Criteria: GeneDx Variant Classification (06012015). Collection method: clinical testing. Allele origin: germline. Affected: yes.
Comment: This variant is considered likely benign or benign based on one or more of the following criteria: it is a conservative change, it occurs at a poorly conserved position in the protein, it is predicted to be benign by multiple in silico algorithms, and/or has population frequency not consistent with disease.